The following is an entry in ClinVar:

ClinVar aggregate classification (germline): Uncertain significance (1 of 4 stars; one submission).

Allele frequency attached by ClinVar (database versions not stated): gnomAD exomes below 0.00001 and 0.00001; ExAC 0.00001.
gnomAD v4.1: 3 of 1,613,910 alleles (0.00019%); highest among the groups gnomAD compares: Admixed American, 0.0033%; no homozygotes.

Submission:

Labcorp Genetics (formerly Invitae), Labcorp
Classification: Uncertain significance. Last evaluated: 2022-09-13. Review status: criteria provided, single submitter. Criteria: Invitae Variant Classification Sherloc (09022015). Collection method: clinical testing. Allele origin: germline.
Comment: In summary, the available evidence is currently insufficient to determine the role of this variant in disease. Therefore, it has been classified as a Variant of Uncertain Significance. Algorithms developed to predict the effect of missense changes on protein structure and function (SIFT, PolyPhen-2, Align-GVGD) all suggest that this variant is likely to be tolerated. ClinVar contains an entry for this variant (Variation ID: 1496076). This variant has not been reported in the literature in individuals affected with CHD8-related conditions. This variant is present in population databases (rs759245173, gnomAD 0.006%). This sequence change replaces isoleucine, which is neutral and non-polar, with phenylalanine, which is neutral and non-polar, at codon 353 of the CHD8 protein (p.Ile353Phe).

NM_001170629.2(CHD8):c.1057A>T (p.Ile353Phe)

Gene: CHD8 (chromodomain helicase DNA binding protein 8; minus strand). Cytogenetic location: 14q11.2.
Variant type: single nucleotide variant.
Coding change: c.1057A>T on transcript NM_001170629.2 (MANE Select); coding-DNA position 1057, A replaced by T.
Protein change: p.Ile353Phe; replaces isoleucine 353 with phenylalanine.
Molecular consequence: missense variant.
Genome position (GRCh38, 1-based): chr14:21,429,122, T>A on the plus strand (A>T on the coding strand, the complement: CHD8 is on the minus strand). VCF-style: chr14-21429122-T-A. GRCh37 (hg19) VCF-style: chr14-21897281-T-A.
Other names: c.220A>T, p.Ile74Phe (NM_020920.4); short protein forms I74F, I353F.
Identifiers: ClinVar variation 1496076 (VCV001496076.8), dbSNP rs759245173, ClinGen allele CA7091852.